The following is an entry in ClinVar:

ClinVar aggregate classification (germline): Uncertain significance (1 of 4 stars; one submission).

Conditions:
Autosomal recessive limb-girdle muscular dystrophy type 2F (LGMDR6). Also called: MUSCULAR DYSTROPHY, LIMB-GIRDLE, AUTOSOMAL RECESSIVE 6; Muscular dystrophy limb-girdle with delta-sarcoglyan deficiency. Identifiers: Orphanet 219, MedGen C1832525, MONDO:0011028, OMIM 601287. Disease mechanism: Affects gamma-sarcoglycan and also disrupts the integrity of the entire sarcoglycan complex..

gnomAD v4.1: 1 of 1,613,236 alleles (0.000062%); highest among the groups gnomAD compares: Non-Finnish European, 0.000085%; no homozygotes.

Submission:

Labcorp Genetics (formerly Invitae), Labcorp
Classification: Uncertain significance for Autosomal recessive limb-girdle muscular dystrophy type 2F. Last evaluated: 2020-05-08. Review status: criteria provided, single submitter. Criteria: Invitae Variant Classification Sherloc (09022015). Collection method: clinical testing. Allele origin: germline.
Comment: Algorithms developed to predict the effect of missense changes on protein structure and function are either unavailable or do not agree on the potential impact of this missense change (SIFT: "Deleterious"; PolyPhen-2: "Probably Damaging"; Align-GVGD: "Class C15"). This variant has not been reported in the literature in individuals with SGCD-related conditions. This variant is not present in population databases (ExAC no frequency). This sequence change replaces cysteine with tryptophan at codon 264 of the SGCD protein (p.Cys264Trp). The cysteine residue is highly conserved and there is a large physicochemical difference between cysteine and tryptophan. In summary, the available evidence is currently insufficient to determine the role of this variant in disease. Therefore, it has been classified as a Variant of Uncertain Significance.

NM_000337.6(SGCD):c.792C>G (p.Cys264Trp)

Gene: SGCD (sarcoglycan delta; plus strand). Cytogenetic location: 5q33.3.
Variant type: single nucleotide variant.
Coding change: c.792C>G on transcript NM_000337.6 (MANE Select); coding-DNA position 792, C replaced by G.
Protein change: p.Cys264Trp; replaces cysteine 264 with tryptophan.
Molecular consequence: missense variant.
Genome position (GRCh38, 1-based): chr5:156,759,309, C>G. VCF-style: chr5-156759309-C-G. GRCh37 (hg19) VCF-style: chr5-156186320-C-G.
Other names: c.789C>G, p.Cys263Trp (NM_001128209.2); short protein forms C263W, C264W.
Identifiers: ClinVar variation 1061503 (VCV001061503.9), dbSNP rs367616773, ClinGen allele CA362009533.